The following is an entry in ClinVar:

NM_000191.3(HMGCL):c.5C>T (p.Ala2Val)

Gene: HMGCL (3-hydroxy-3-methylglutaryl-CoA lyase; minus strand). Cytogenetic location: 1p36.11.
Variant type: single nucleotide variant.
Coding change: c.5C>T on transcript NM_000191.3 (MANE Select); coding-DNA position 5, C replaced by T.
Protein change: p.Ala2Val; replaces alanine 2 with valine.
Molecular consequence: missense variant.
Genome position (GRCh38, 1-based): chr1:23,825,411, G>A on the plus strand (C>T on the coding strand, the complement: HMGCL is on the minus strand). VCF-style: chr1-23825411-G-A. GRCh37 (hg19) VCF-style: chr1-24151901-G-A.
Other names: c.5C>T, p.Ala2Val (NM_001166059.2); short protein forms A2V.
Identifiers: ClinVar variation 1966069 (VCV001966069.3), dbSNP rs1438225471, ClinGen allele CA339031297.

ClinVar aggregate classification (germline): Uncertain significance (1 of 4 stars; one submission).

Conditions:
Deficiency of hydroxymethylglutaryl-CoA lyase (HMGCLD). Also called: Defect in leucine metabolism; 3-hydroxy-3-methylglutaric aciduria; HMGCL DEFICIENCY; HYDROXYMETHYLGLUTARIC ACIDURIA; HMG-CoA LYASE DEFICIENCY. Identifiers: Orphanet 20, MedGen C1533587, MONDO:0009520, OMIM 246450.

Allele frequency attached by ClinVar (database versions not stated): TOPMed below 0.00001.
gnomAD v4.1: 1 of 1,557,430 alleles (0.000064%); highest among the groups gnomAD compares: South Asian, 0.0012%; no homozygotes.

Submission:

Labcorp Genetics (formerly Invitae), Labcorp
Classification: Uncertain significance for Deficiency of hydroxymethylglutaryl-CoA lyase. Last evaluated: 2025-10-27. Review status: criteria provided, single submitter. Criteria: Invitae Variant Classification Sherloc (09022015). Collection method: clinical testing. Allele origin: germline.
Comment: This sequence change replaces alanine, which is neutral and non-polar, with valine, which is neutral and non-polar, at codon 2 of the HMGCL protein (p.Ala2Val). The frequency data for this variant in the population databases is considered unreliable, as metrics indicate poor data quality at this position in the gnomAD database. This variant has not been reported in the literature in individuals affected with HMGCL-related conditions. ClinVar contains an entry for this variant (Variation ID: 1966069). An algorithm developed to predict the effect of missense changes on protein structure and function (PolyPhen-2) suggests that this variant is likely to be tolerated. In summary, the available evidence is currently insufficient to determine the role of this variant in disease. Therefore, it has been classified as a Variant of Uncertain Significance.